The following is an entry in ClinVar:

ClinVar aggregate classification (germline): Uncertain significance. Review status: criteria provided, multiple submitters, no conflicts (2 of 4 stars). 3 submissions from 3 submitters: Uncertain significance (3). Last evaluated 2024-08-14.

Conditions:
Epidermolysis bullosa simplex with nail dystrophy (EBS5D). Identifiers: MedGen C4225309, MONDO:0014661, OMIM 616487.
Epidermolysis bullosa simplex 5B, with muscular dystrophy (EBS5B). Also called: EPIDERMOLYSIS BULLOSA SIMPLEX AND LIMB-GIRDLE MUSCULAR DYSTROPHY; Epidermolysis bullosa simplex with muscular dystrophy. Identifiers: Orphanet 257, MedGen C2931072, MONDO:0009181, OMIM 226670.
Epidermolysis bullosa simplex, Ogna type (EBS5A). Also called: Pidermolysis bullosa simplex 5A, Ogna type; EPIDERMOLYSIS BULLOSA SIMPLEX 5A, OGNA TYPE. Identifiers: Orphanet 79401, MedGen C0432317, MONDO:0007555, OMIM 131950.
Epidermolysis bullosa simplex 5C, with pyloric atresia (EBS5C). Also called: Epidermolysis bullosa simplex with pyloric atresia; PLEC-Related Epidermolysis Bullosa with Pyloric Atresia; PLEC1-Related Epidermolysis Bullosa with Pyloric Atresia. Identifiers: Orphanet 158684, MedGen C2677349, MONDO:0012807, OMIM 612138.
Autosomal recessive limb-girdle muscular dystrophy type 2Q (LGMDR17). Also called: MUSCULAR DYSTROPHY, LIMB-GIRDLE, AUTOSOMAL RECESSIVE 17. Identifiers: Orphanet 254361, MedGen C3150989, MONDO:0013390, OMIM 613723.

Allele frequency attached by ClinVar (database versions not stated): TOPMed 0.00002; gnomAD 0.00004; ExAC 0.00008; 1000 Genomes Project 30x 0.00031.
gnomAD v4.1: 43 of 1,598,884 alleles (0.0027%); highest among the groups gnomAD compares: Middle Eastern, 0.017%; no homozygotes.

Submissions (3):

Revvity Omics, Revvity
Classification: Uncertain significance. Last evaluated: 2024-08-14. Review status: criteria provided, single submitter. Criteria: ACMG Guidelines, 2015. Collection method: clinical testing. Allele origin: germline.

Labcorp Genetics (formerly Invitae), Labcorp
Classification: Uncertain significance for Autosomal recessive limb-girdle muscular dystrophy type 2Q; Epidermolysis bullosa simplex, Ogna type; Epidermolysis bullosa simplex with nail dystrophy; Epidermolysis bullosa simplex 5C, with pyloric atresia; Epidermolysis bullosa simplex 5B, with muscular dystrophy. Last evaluated: 2024-07-30. Review status: criteria provided, single submitter. Criteria: Invitae Variant Classification Sherloc (09022015). Collection method: clinical testing. Allele origin: germline.
Comment: This sequence change replaces arginine, which is basic and polar, with tryptophan, which is neutral and slightly polar, at codon 1935 of the PLEC protein (p.Arg1935Trp). This variant is present in population databases (rs781923577, gnomAD 0.02%). This missense change has been observed in individual(s) with PLEC-related conditions (PMID: 33057194). ClinVar contains an entry for this variant (Variation ID: 2191443). Experimental studies and prediction algorithms are not available or were not evaluated, and the functional significance of this variant is currently unknown. In summary, the available evidence is currently insufficient to determine the role of this variant in disease. Therefore, it has been classified as a Variant of Uncertain Significance.

Women's Health and Genetics/Laboratory Corporation of America, LabCorp
Classification: Uncertain significance. Last evaluated: 2024-01-31. Review status: criteria provided, single submitter. Criteria: LabCorp Variant Classification Summary - May 2015. Collection method: clinical testing. Allele origin: germline.
Comment: Variant summary: PLEC1 c.5803C>T (p.Arg1935Trp) results in a non-conservative amino acid change in the encoded protein sequence. Five of five in-silico tools predict a damaging effect of the variant on protein function. The variant allele was found at a frequency of 2.7e-05 in 1598884 control chromosomes, predominantly at a frequency of 0.00016 within the East Asian subpopulation in the gnomAD database. The available data on variant occurrences in the general population are insufficient to allow any conclusion about variant significance. c.5803C>T has been reported in the literature as a de novo change in individuals from large cohorts of Developmental Delay and Autism, without primary information for further analysis (example, Kaplanis_2020, Zhou_2022). These report(s) do not provide unequivocal conclusions about association of the variant with PLEC1-Related Disorders. To our knowledge, no experimental evidence demonstrating an impact on protein function has been reported. The following publications have been ascertained in the context of this evaluation (PMID: 33057194, 35982159). ClinVar contains an entry for this variant (Variation ID: 2191443). Based on the evidence outlined above, the variant was classified as uncertain significance.

Literature cited by the submitters: PubMed 33057194 (cited by Labcorp Genetics (formerly Invitae), Labcorp and Women's Health and Genetics/Laboratory Corporation of America, LabCorp); PubMed 35982159 (cited by Women's Health and Genetics/Laboratory Corporation of America, LabCorp).

NM_201384.3(PLEC):c.5722C>T (p.Arg1908Trp)

Gene: PLEC (plectin; minus strand). Cytogenetic location: 8q24.3.
Variant type: single nucleotide variant.
Coding change: c.5722C>T on transcript NM_201384.3 (MANE Select); coding-DNA position 5722, C replaced by T.
Protein change: p.Arg1908Trp; replaces arginine 1908 with tryptophan.
Molecular consequence: missense variant.
Genome position (GRCh38, 1-based): chr8:143,924,207, G>A on the plus strand (C>T on the coding strand, the complement: PLEC is on the minus strand). VCF-style: chr8-143924207-G-A. GRCh37 (hg19) VCF-style: chr8-144998375-G-A.
Other names: c.5803C>T, p.Arg1935Trp (NM_000445.5); c.5680C>T, p.Arg1894Trp (NM_201378.4); c.5656C>T, p.Arg1886Trp (NM_201379.3); c.6133C>T, p.Arg2045Trp (NM_201380.4); c.5626C>T, p.Arg1876Trp (NM_201381.3); c.5722C>T, p.Arg1908Trp (NM_201382.4); c.5734C>T, p.Arg1912Trp (NM_201383.3); short protein forms R1876W, R1894W, R1908W, R2045W, R1886W, R1935W, R1912W.
Identifiers: ClinVar variation 2191443 (VCV002191443.6), dbSNP rs781923577, ClinGen allele CA4926262.
Genomic context (GRCh38, chr8:143,924,207, plus strand): 5'-GGATCTCCTCCTCCACCTGCCGCCGCTGCCTCAGCGTGTCCTCCACCAGCCCCTTCTGCC[G>A]CTCCAGCTCGCTGTCCGATGCCTTGCGCAGCTGGGCCAGGCGCTCCTCGATGTCAGCCTT-3'
Protein context (NP_958786.1, residues 1898-1918): LRKASDSELE[Arg1908Trp]QKGLVEDTLR